The following is an entry in ClinVar:

ClinVar aggregate classification (germline): Benign (1 of 4 stars; one submission).

Conditions:
Leigh syndrome (NULS). Also called: Leigh's necrotizing encephalopathy; Leigh's disease; Leigh Syndrome (mtDNA deletion); Leigh Disease; Subacute necrotizing encephalopathy; Necrotizing encephalopathy infantile subacute of Leigh. Identifiers: Orphanet 506, MedGen C2931891, MONDO:0009723, OMIM 256000.

Submission:

Wong Mito Lab, Molecular and Human Genetics, Baylor College of Medicine
Classification: Benign for Leigh syndrome. Last evaluated: 2019-10-17. Review status: criteria provided, single submitter. Criteria: Modified ACMG Guidelines (Unpublished). Collection method: clinical testing. Allele origin: germline.
Comment: The NC_012920.1:m.11654A>G (YP_003024035.1:p.Thr299Ala) variant in MTND4 gene is interpretated to be a Benign variant based on the modified ACMG guidelines (unpublished). This variant meets the following evidence codes: BS1, BS2, BP4

NC_012920.1(MT-ND4):m.11654A>G

Gene: MT-ND4 (mitochondrially encoded NADH dehydrogenase 4; plus strand).
Variant type: single nucleotide variant.
Genome position: chrM-11654-A-G.
Identifiers: ClinVar variation 693375 (VCV000693375.1), dbSNP rs1603223374, ClinGen allele CA414810663.